The following is an entry in ClinVar:

ClinVar aggregate classification (germline): Benign. Review status: criteria provided, multiple submitters, no conflicts (2 of 4 stars). 4 submissions from 2 submitters: Benign (4). Last evaluated 2018-01-13.

Conditions:
Familial multiple trichoepitheliomata. Also called: Familial multiple trichoepithelioma. Identifiers: Orphanet 79493, Orphanet 867, MedGen C1275122, MONDO:0011114.
Familial cylindromatosis. Also called: Turban tumor syndrome; ANCELL-SPIEGLER CYLINDROMAS. Identifiers: Orphanet 211, Orphanet 79493, MedGen C1851526, MONDO:0007565, OMIM 132700.
Brooke-Spiegler syndrome. Also called: CYLD Cutaneous Syndrome. Identifiers: Orphanet 79493, MedGen C1857941, MONDO:0011512, OMIM 605041.

Allele frequency attached by ClinVar (database versions not stated): gnomAD exomes 0.03440; gnomAD 0.05305 and 0.05586; TOPMed 0.05653; 1000 Genomes Project 0.05751; 1000 Genomes Project 30x 0.05887.
gnomAD v4.1: 10,800 of 232,386 alleles (4.6%); highest among the groups gnomAD compares: African/African-American, 13%; 458 homozygotes.

Submissions (4):

Illumina Laboratory Services, Illumina
Classification: Benign for Familial cylindromatosis. Last evaluated: 2018-01-13. Review status: criteria provided, single submitter. Criteria: ICSL Variant Classification Criteria 13 December 2019. Collection method: clinical testing. Allele origin: germline.
Comment: This variant was observed in the ICSL laboratory as part of a predisposition screen in an ostensibly healthy population. It had not been previously curated by ICSL or reported in the Human Gene Mutation Database (HGMD: prior to June 1st, 2018), and was therefore a candidate for classification through an automated scoring system. Utilizing variant allele frequency, disease prevalence and penetrance estimates, and inheritance mode, an automated score was calculated to assess if this variant is too frequent to cause the disease. Based on the score and internal cut-off values, a variant classified as benign is not then subjected to further curation. The score for this variant resulted in a classification of benign for this disease.

Illumina Laboratory Services, Illumina
Classification: Benign for Brooke-Spiegler syndrome. Last evaluated: 2018-01-13. Review status: criteria provided, single submitter. Criteria: ICSL Variant Classification Criteria 13 December 2019. Collection method: clinical testing. Allele origin: germline.
Comment: the same text as in the submission from Illumina Laboratory Services, Illumina above.

Illumina Laboratory Services, Illumina
Classification: Benign for Trichoepithelioma, multiple familial, 1. Last evaluated: 2018-01-13. Review status: criteria provided, single submitter. Criteria: ICSL Variant Classification Criteria 13 December 2019. Collection method: clinical testing. Allele origin: germline.
Comment: the same text as in the submission from Illumina Laboratory Services, Illumina above.

Breakthrough Genomics
Classification: Benign. Review status: criteria provided, single submitter. Criteria: ACMG Guidelines, 2015. Collection method: not provided. Allele origin: germline. Inheritance: Autosomal dominant inheritance. Affected: yes.

NM_001378743.1(CYLD):c.*837A>G

Genes: CYLD (CYLD lysine 63 deubiquitinase; plus strand), CYLD-AS2 (CYLD antisense RNA 2; minus strand). Cytogenetic location: 16q12.1.
Variant type: single nucleotide variant.
Coding change: c.*837A>G on transcript NM_001378743.1 (MANE Select); 837 bases downstream of the stop codon, A replaced by G.
Molecular consequence: 3 prime UTR variant. On other transcripts: non-coding transcript variant (1).
Genome position (GRCh38, 1-based): chr16:50,797,345, A>G. VCF-style: chr16-50797345-A-G. GRCh37 (hg19) VCF-style: chr16-50831256-A-G.
Other names: c.*837A>G (NM_001042355.2, NM_001042412.3, NM_001378744.1 and 12 more transcripts).
Identifiers: ClinVar variation 319517 (VCV000319517.6), dbSNP rs3743781, ClinGen allele CA10637874.